The following is an entry in ClinVar:

ClinVar aggregate classification (germline): Uncertain significance. Review status: criteria provided, multiple submitters, no conflicts (2 of 4 stars). 2 submissions from 2 submitters: Uncertain significance (2). Last evaluated 2025-10-14.

Conditions:
Hereditary cancer-predisposing syndrome. Also called: Neoplastic Syndromes, Hereditary; Tumor predisposition; Hereditary Cancer Syndrome; Hereditary neoplastic syndrome. Identifiers: Orphanet 140162, MedGen C0027672, MeSH D009386, MONDO:0015356.

Allele frequency attached by ClinVar (database versions not stated): gnomAD exomes below 0.00001.

Submissions (2):

Ambry Genetics
Classification: Uncertain significance for Hereditary cancer-predisposing syndrome. Last evaluated: 2025-10-14. Review status: criteria provided, single submitter. Criteria: Ambry Variant Classification Scheme 2023. Collection method: clinical testing. Allele origin: germline.
Comment: The p.Q2279* variant (also known as c.6835C>T), located in coding exon 49 of the POLE gene, results from a C to T substitution at nucleotide position 6835. This changes the amino acid from a glutamine to a stop codon within coding exon 49. This alteration occurs at the 3' terminus of the gene, is not expected to trigger nonsense-mediated mRNA decay, and impacts the last 8 AA of the protein. The exact functional effect of this alteration is unknown. Based on the available evidence, the clinical significance of this variant remains unclear.

Labcorp Genetics (formerly Invitae), Labcorp
Classification: Uncertain significance. Last evaluated: 2023-09-01. Review status: criteria provided, single submitter. Criteria: Invitae Variant Classification Sherloc (09022015). Collection method: clinical testing. Allele origin: germline.
Comment: In summary, the available evidence is currently insufficient to determine the role of this variant in disease. Therefore, it has been classified as a Variant of Uncertain Significance. Experimental studies and prediction algorithms are not available or were not evaluated, and the functional significance of this variant is currently unknown. ClinVar contains an entry for this variant (Variation ID: 473815). This variant has not been reported in the literature in individuals affected with POLE-related conditions. This variant is not present in population databases (gnomAD no frequency). This sequence change creates a premature translational stop signal (p.Gln2279*) in the POLE gene. While this is not anticipated to result in nonsense mediated decay, it is expected to disrupt the last 8 amino acid(s) of the POLE protein.

NM_006231.4(POLE):c.6835C>T (p.Gln2279Ter)

Gene: POLE (DNA polymerase epsilon, catalytic subunit; minus strand). Cytogenetic location: 12q24.33.
Variant type: single nucleotide variant.
Coding change: c.6835C>T on transcript NM_006231.4 (MANE Select); coding-DNA position 6835, C replaced by T.
Protein change: p.Gln2279Ter; replaces glutamine 2279 with a stop codon.
Molecular consequence: nonsense.
Genome position (GRCh38, 1-based): chr12:132,624,723, G>A on the plus strand (C>T on the coding strand, the complement: POLE is on the minus strand). VCF-style: chr12-132624723-G-A. GRCh37 (hg19) VCF-style: chr12-133201309-G-A.
Other names: c.6835C>T (NM_006231.2); short protein forms Q2279*.
Identifiers: ClinVar variation 473815 (VCV000473815.9), dbSNP rs1555300713, ClinGen allele CA387365625.